The following is an entry in ClinVar:

NM_182641.4(BPTF):c.7916T>C (p.Ile2639Thr)

Gene: BPTF (bromodomain PHD finger transcription factor; plus strand). Cytogenetic location: 17q24.2.
Variant type: single nucleotide variant.
Coding change: c.7916T>C on transcript NM_182641.4 (MANE Select); coding-DNA position 7916, T replaced by C.
Protein change: p.Ile2639Thr; replaces isoleucine 2639 with threonine.
Molecular consequence: missense variant.
Genome position (GRCh38, 1-based): chr17:67,948,296, T>C. VCF-style: chr17-67948296-T-C. GRCh37 (hg19) VCF-style: chr17-65944412-T-C.
Other names: c.7865T>C, p.Ile2622Thr (NM_004459.7); short protein forms I2622T, I2639T.
Identifiers: ClinVar variation 1686672 (VCV001686672.3), dbSNP rs2065960258, ClinGen allele CA400728761.

ClinVar aggregate classification (germline): Likely pathogenic (1 of 4 stars; one submission).

Allele frequency attached by ClinVar (database versions not stated): gnomAD exomes below 0.00001.
gnomAD v4.1: 1 of 1,612,688 alleles (0.000062%); highest among the groups gnomAD compares: East Asian, 0.0022%; no homozygotes.

Submission:

GeneDx
Classification: Likely pathogenic. Last evaluated: 2026-03-30. Review status: criteria provided, single submitter. Criteria: GeneDx Variant Classification Process June 2021. Collection method: clinical testing. Allele origin: germline.
Comment: Not observed at significant frequency in large population cohorts (gnomAD); In silico analysis supports that this missense variant has a deleterious effect on protein structure/function; Has not been previously published as pathogenic or benign to our knowledge